The following is an entry in ClinVar:

ClinVar aggregate classification (germline): Benign. Review status: criteria provided, single submitter (1 of 4 stars). 2 submissions from 2 submitters: Benign (1). 1 of the submissions does not count toward it. Last evaluated 2018-09-11.

Conditions:
DMXL1-related disorder. Also called: DMXL1-related condition.

Allele frequency attached by ClinVar (database versions not stated): gnomAD exomes 0.00060 and 0.00150; ExAC 0.00179; 1000 Genomes Project 0.00519; gnomAD 0.00580 and 0.00647; TOPMed 0.00663; ESP Exome Variant Server 0.00746.
gnomAD v4.1: 1,750 of 1,570,866 alleles (0.11%); highest among the groups gnomAD compares: African/African-American, 2.2%; 15 homozygotes.

Submissions (2):

Labcorp Genetics (formerly Invitae), Labcorp
Classification: Benign. Last evaluated: 2018-09-11. Review status: criteria provided, single submitter. Criteria: Invitae Variant Classification Sherloc (09022015). Collection method: clinical testing. Allele origin: germline.

PreventionGenetics, part of Exact Sciences
Classification: Benign for DMXL1-related condition. Last evaluated: 2019-04-04. Review status: no assertion criteria provided. Collection method: clinical testing. Allele origin: germline. Not counted in ClinVar's aggregate classification.
Comment: This variant is classified as benign based on ACMG/AMP sequence variant interpretation guidelines (Richards et al. 2015 PMID: 25741868, with internal and published modifications).

NM_001290321.3(DMXL1):c.7388A>G (p.Asn2463Ser)

Gene: DMXL1 (Dmx like 1; plus strand). Cytogenetic location: 5q23.1.
Variant type: single nucleotide variant.
Coding change: c.7388A>G on transcript NM_001290321.3 (MANE Select); coding-DNA position 7388, A replaced by G.
Protein change: p.Asn2463Ser; replaces asparagine 2463 with serine.
Molecular consequence: missense variant. On other transcripts: non-coding transcript variant (3).
Genome position (GRCh38, 1-based): chr5:119,193,901, A>G. VCF-style: chr5-119193901-A-G. GRCh37 (hg19) VCF-style: chr5-118529596-A-G.
Other names: c.7388A>G, p.Asn2463Ser (NM_001349239.2, NM_001349240.2, NM_001387933.1 and 1 more transcripts); c.7196A>G, p.Asn2399Ser (NM_001387934.1); c.6683A>G, p.Asn2228Ser (NM_001387937.1); c.6401A>G, p.Asn2134Ser (NM_001387938.1); c.7388A>G (NM_001290321.2); short protein forms N2463S, N2134S, N2228S, N2399S.
Identifiers: ClinVar variation 717849 (VCV000717849.5), dbSNP rs146526208, ClinGen allele CA3380846.